The following is an entry in ClinVar:

NM_007294.4(BRCA1):c.2079_2080del (p.Asp693fs)

Gene: BRCA1 (BRCA1 DNA repair associated; minus strand). Cytogenetic location: 17q21.31.
Variant type: Deletion.
Coding change: c.2079_2080del on transcript NM_007294.4 (MANE Select); coding-DNA positions 2079 to 2080, 2 bases deleted (CA; older notation c.2079_2080delCA).
Protein change: p.Asp693fs; shifts the reading frame from aspartic acid 693.
Molecular consequence: frameshift variant. On other transcripts: intron variant (137).
Genome position (GRCh38, 1-based): chr17:43,093,451-43,093,452, TG deleted on the plus strand (CA on the coding strand, the reverse complement: BRCA1 is on the minus strand); deleting any 2 consecutive bases within chr17:43,093,451-43,093,453 gives the same sequence; the c. name uses the placement nearest the transcript's 3' end. VCF-style (leftmost placement, unchanged base first): chr17-43093450-CTG-C. GRCh37 (hg19) VCF-style: chr17-41245467-CTG-C.
Other names: 2198delCA; c.2079_2080delCA (NM_007294.3); c.1869_1870del, p.Asp623fs (NM_001407910.1, NM_001407879.1, NM_001407881.1 and 13 more transcripts); c.1866_1867del, p.Asp622fs (NM_001407915.1, NM_001407916.1, NM_001407917.1 and 9 more transcripts); c.1956_1957del, p.Asp652fs (NM_001407919.1, NM_001407937.1, NM_001407938.1 and 19 more transcripts); c.1815_1816del, p.Asp605fs (NM_001407920.1, NM_001407921.1, NM_001407922.1 and 9 more transcripts); c.1812_1813del, p.Asp604fs (NM_001407930.1, NM_001407931.1, NM_001407932.1 and 2 more transcripts); c.1953_1954del, p.Asp651fs (NM_001407940.1, NM_001407941.1, NM_001407649.1 and 11 more transcripts); and 42 more; short protein forms D693fs, D646fs, D565fs, D581fs, D626fs, D566fs, D604fs, D605fs.
Identifiers: ClinVar variation 54454 (VCV000054454.3), dbSNP rs80357773, ClinGen allele CA001378.
Genomic context (GRCh38, chr17:43,093,450, plus strand): 5'-TTTGAACACTTAGTAAAAGAACCAGGTGCATTTGTTAACTTCAGCTCTGGGAAAGTATCG[CTG>C]TCATGTCTTTTACTTGTCTGTTCATTTGGCTTGTTACTCTTCTTGGCTCCAGTTGCAGGT-3'

ClinVar aggregate classification (germline): Pathogenic. Review status: reviewed by expert panel (3 of 4 stars). 3 submissions from 3 submitters: Pathogenic (1). 2 of the submissions do not count toward it. Last evaluated 2016-09-08.

Conditions:
Hereditary breast ovarian cancer syndrome. Also called: Hereditary breast and ovarian cancer syndrome (HBOC); Hereditary breast and ovarian cancer syndrome; Hereditary breast and ovarian cancer; Hereditary breast and/or ovarian cancer syndrome; Breast and ovarian cancer; BRCA1- and BRCA2-Associated Hereditary Breast and Ovarian Cancer. Identifiers: Orphanet 145, MedGen C0677776, MeSH D061325, MONDO:0003582. Disease mechanism: loss of function.
Breast-ovarian cancer, familial, susceptibility to, 1 (BROVCA1). Also called: OVARIAN CANCER, SUSCEPTIBILITY TO; BRCA1 Hereditary Breast and Ovarian Cancer. Identifiers: Orphanet 145, MedGen C2676676, MONDO:0011450, OMIM 604370. Disease mechanism: loss of function.

Submissions (3):

Evidence-based Network for the Interpretation of Germline Mutant Alleles (ENIGMA)
Classification: Pathogenic for Breast-ovarian cancer, familial, susceptibility to, 1. Last evaluated: 2016-09-08. Review status: reviewed by expert panel. Criteria: ENIGMA BRCA1/2 Classification Criteria (2015). Collection method: curation. Allele origin: germline.
Comment: Variant allele predicted to encode a truncated non-functional protein.

Research Molecular Genetics Laboratory, Women's College Hospital, University of Toronto
Classification: Pathogenic for Hereditary breast ovarian cancer syndrome. Last evaluated: 2014-01-31. Review status: no assertion criteria provided. Collection method: research. Allele origin: germline. Affected: yes. Study: The Canadian Open Genetics Repository (COGR). Not counted in ClinVar's aggregate classification.

Breast Cancer Information Core (BIC) (BRCA1)
Classification: Pathogenic for Breast-ovarian cancer, familial 1. Last evaluated: 1997-11-14. Review status: no assertion criteria provided. Collection method: clinical testing. Allele origin: germline. Affected: yes. Observed: 1 variant allele. Not counted in ClinVar's aggregate classification.